The following is an entry in ClinVar:

Single allele

Genes: ABCC1 (ATP binding cassette subfamily C member 1 (ABCC1 blood group); plus strand), ABCC6 (ATP binding cassette subfamily C member 6; minus strand), BMERB1 (bMERB domain containing 1; plus strand), CEP20 (centrosomal protein 20; minus strand), MARF1 (meiosis regulator and mRNA stability factor 1; minus strand) and 10 more. Cytogenetic location: 16p13.11.
Variant type: Deletion.
Identifiers: ClinVar variation 997820 (VCV000997820.1).

ClinVar aggregate classification (germline): Pathogenic (0 of 4 stars; one submission).

Conditions:
Epilepsy. Also called: Seizure disorder. Identifiers: MedGen C0014544, MeSH D004827, MONDO:0005027.

Submission:

Institute of Human Genetics, University of Leipzig Medical Center
Classification: Pathogenic for Epilepsy. Last evaluated: 2021-02-25. Review status: no assertion criteria provided. Collection method: clinical testing. Allele origin: maternal. Inheritance: Autosomal dominant inheritance. Affected: yes. Observed: 1 variant allele, 1 heterozygote.
Comment: The variant was reviewed according to current ClinGen recommendations and classified as Pathogenic (criteria: 1A(0), 2A(1), 3A(0), 5H(0.3), Total score=1.3).